The following is an entry in ClinVar:

NM_016239.4(MYO15A):c.4930C>T (p.Gln1644Ter)

Gene: MYO15A (myosin XVA; plus strand). Cytogenetic location: 17p11.2.
Variant type: single nucleotide variant.
Coding change: c.4930C>T on transcript NM_016239.4 (MANE Select); coding-DNA position 4930, C replaced by T.
Protein change: p.Gln1644Ter; replaces glutamine 1644 with a stop codon.
Molecular consequence: nonsense.
Genome position (GRCh38, 1-based): chr17:18,138,169, C>T. VCF-style: chr17-18138169-C-T. GRCh37 (hg19) VCF-style: chr17-18041483-C-T.
Other names: short protein forms Q1644*.
Identifiers: ClinVar variation 2878119 (VCV002878119.4), dbSNP rs2545244528, ClinGen allele CA398597326.

ClinVar aggregate classification (germline): Pathogenic. Review status: criteria provided, single submitter (1 of 4 stars). 2 submissions from 2 submitters: Pathogenic (1). 1 of the submissions does not count toward it. Last evaluated 2023-11-10.

Conditions:
Autosomal recessive nonsyndromic hearing loss 3. Also called: NEUROSENSORY NONSYNDROMIC RECESSIVE DEAFNESS 3. Identifiers: Orphanet 90636, MedGen C1838263, MONDO:0010860, OMIM 600316.

Allele frequency attached by ClinVar (database versions not stated): gnomAD exomes below 0.00001.

Submissions (2):

Labcorp Genetics (formerly Invitae), Labcorp
Classification: Pathogenic. Last evaluated: 2023-11-10. Review status: criteria provided, single submitter. Criteria: Invitae Variant Classification Sherloc (09022015). Collection method: clinical testing. Allele origin: germline.
Comment: This sequence change creates a premature translational stop signal (p.Gln1644*) in the MYO15A gene. It is expected to result in an absent or disrupted protein product. Loss-of-function variants in MYO15A are known to be pathogenic (PMID: 17546645). This variant is not present in population databases (gnomAD no frequency). This variant has not been reported in the literature in individuals affected with MYO15A-related conditions. For these reasons, this variant has been classified as Pathogenic.

Clinical Genetics Laboratory, University Hospital Schleswig-Holstein
Classification: Pathogenic for Autosomal recessive nonsyndromic hearing loss 3. Last evaluated: 2023-11-09. Review status: no assertion criteria provided. Collection method: clinical testing. Allele origin: germline. Affected: yes. Not counted in ClinVar's aggregate classification.

Literature cited by the submitters: PubMed 17546645 (cited by Labcorp Genetics (formerly Invitae), Labcorp).